The following is an entry in ClinVar:

NM_000377.3(WAS):c.1070G>A (p.Arg357Gln)

Gene: WAS (WASP actin nucleation promoting factor; plus strand). Cytogenetic location: Xp11.23.
Variant type: single nucleotide variant.
Coding change: c.1070G>A on transcript NM_000377.3 (MANE Select); coding-DNA position 1070, G replaced by A.
Protein change: p.Arg357Gln; replaces arginine 357 with glutamine.
Molecular consequence: missense variant.
Genome position (GRCh38, 1-based): chrX:48,688,798, G>A. VCF-style: chrX-48688798-G-A. GRCh37 (hg19) VCF-style: chrX-48547187-G-A.
Other names: short protein forms R357Q.
Identifiers: ClinVar variation 1362358 (VCV001362358.4), dbSNP rs1286831963, ClinGen allele CA412873195.

ClinVar aggregate classification (germline): Uncertain significance. Review status: criteria provided, multiple submitters, no conflicts (2 of 4 stars). 2 submissions from 2 submitters: Uncertain significance (2). Last evaluated 2024-04-10.

Conditions:
X-linked severe congenital neutropenia (SCNX). Identifiers: Orphanet 86788, MedGen C1845987, MONDO:0010294, OMIM 300299.
Thrombocytopenia 1. Also called: X-linked thrombocytopenia with normal platelets; THROMBOCYTOPENIA, X-LINKED, 1; X-Linked Thrombocytopenia (XLT). Identifiers: Orphanet 268322, Orphanet 852, MedGen C1839163, MONDO:0010743, OMIM 313900.
Wiskott-Aldrich syndrome (WAS). Also called: ALDRICH SYNDROME; IMMUNODEFICIENCY 2; WISKOTT-ALDRICH SYNDROME 1; Wiskott-aldrich syndrome, somatic. Identifiers: Orphanet 906, MedGen C0043194, MONDO:0010518, OMIM 301000.

Allele frequency attached by ClinVar (database versions not stated): gnomAD exomes 0.00001; gnomAD 0.00002; TOPMed 0.00002.
gnomAD v4.1: 11 of 919,154 alleles (0.0012%); highest among the groups gnomAD compares: East Asian, 0.0039%; no homozygotes.

Submissions (2):

Fulgent Genetics
Classification: Uncertain significance for X-linked severe congenital neutropenia; Wiskott-Aldrich syndrome; Thrombocytopenia 1. Last evaluated: 2024-04-10. Review status: criteria provided, single submitter. Criteria: ACMG Guidelines, 2015. Collection method: clinical testing. Allele origin: germline.

Labcorp Genetics (formerly Invitae), Labcorp
Classification: Uncertain significance for Wiskott-Aldrich syndrome; X-linked severe congenital neutropenia; Thrombocytopenia 1. Last evaluated: 2022-10-23. Review status: criteria provided, single submitter. Criteria: Invitae Variant Classification Sherloc (09022015). Collection method: clinical testing. Allele origin: germline.
Comment: This sequence change replaces arginine, which is basic and polar, with glutamine, which is neutral and polar, at codon 357 of the WAS protein (p.Arg357Gln). This variant is not present in population databases (gnomAD no frequency). This variant has not been reported in the literature in individuals affected with WAS-related conditions. ClinVar contains an entry for this variant (Variation ID: 1362358). Advanced modeling of protein sequence and biophysical properties (such as structural, functional, and spatial information, amino acid conservation, physicochemical variation, residue mobility, and thermodynamic stability) performed at Invitae indicates that this missense variant is not expected to disrupt WAS protein function. In summary, the available evidence is currently insufficient to determine the role of this variant in disease. Therefore, it has been classified as a Variant of Uncertain Significance.